The following is an entry in ClinVar:

ClinVar aggregate classification (germline): Benign/Likely benign. Review status: criteria provided, multiple submitters, no conflicts (2 of 4 stars). 4 submissions from 4 submitters: Benign (2); Likely benign (2). Last evaluated 2026-07-21.

Conditions:
MYH14-related disorder. Also called: MYH14-related condition.

Allele frequency attached by ClinVar (database versions not stated): gnomAD exomes 0.00003 and 0.00012; ExAC 0.00020; ESP Exome Variant Server 0.00024; gnomAD 0.00036 and 0.00037; TOPMed 0.00037; 1000 Genomes Project 30x 0.00047; 1000 Genomes Project 0.00060.

Submissions (4):

PreventionGenetics, part of Exact Sciences
Classification: Likely benign for MYH14-related condition. Last evaluated: 2026-07-21. Review status: criteria provided, single submitter. Criteria: ACMG Guidelines, 2015. Collection method: clinical testing. Allele origin: germline.
Comment: This variant is classified as likely benign based on ACMG/AMP sequence variant interpretation guidelines (Richards et al. 2015 PMID: 25741868, with internal and published modifications).

Labcorp Genetics (formerly Invitae), Labcorp
Classification: Benign. Last evaluated: 2025-10-21. Review status: criteria provided, single submitter. Criteria: Invitae Variant Classification Sherloc (09022015). Collection method: clinical testing. Allele origin: germline.

GeneDx
Classification: Likely benign. Last evaluated: 2020-12-14. Review status: criteria provided, single submitter. Criteria: GeneDx Variant Classification Process June 2021. Collection method: clinical testing. Allele origin: germline. Affected: yes.

Athena Diagnostics
Classification: Benign. Last evaluated: 2018-11-12. Review status: criteria provided, single submitter. Criteria: Athena Diagnostics Criteria. Collection method: clinical testing. Allele origin: germline.

NM_001145809.2(MYH14):c.1224C>T (p.Leu408=)

Gene: MYH14 (myosin heavy chain 14; plus strand). Cytogenetic location: 19q13.33.
Variant type: single nucleotide variant.
Coding change: c.1224C>T on transcript NM_001145809.2 (MANE Select); coding-DNA position 1224, C replaced by T.
Protein change: p.Leu408=; no amino-acid change (leucine 408 retained).
Molecular consequence: synonymous variant.
Genome position (GRCh38, 1-based): chr19:50,247,017, C>T. VCF-style: chr19-50247017-C-T. GRCh37 (hg19) VCF-style: chr19-50750274-C-T.
Other names: c.1224C>T, p.Leu408= (NM_001077186.2); c.1200C>T, p.Leu400= (NM_024729.4).
Identifiers: ClinVar variation 723858 (VCV000723858.10), dbSNP rs145163585, ClinGen allele CA9592566.